The following is an entry in ClinVar:

NM_000089.4(COL1A2):c.77A>G (p.Gln26Arg)

Gene: COL1A2 (collagen type I alpha 2 chain; plus strand). Cytogenetic location: 7q21.3.
Variant type: single nucleotide variant.
Coding change: c.77A>G on transcript NM_000089.4 (MANE Select); coding-DNA position 77, A replaced by G.
Protein change: p.Gln26Arg; replaces glutamine 26 with arginine.
Molecular consequence: missense variant.
Genome position (GRCh38, 1-based): chr7:94,397,754, A>G. VCF-style: chr7-94397754-A-G. GRCh37 (hg19) VCF-style: chr7-94027066-A-G.
Other names: short protein forms Q26R.
Identifiers: ClinVar variation 1353628 (VCV001353628.6), dbSNP rs1313865970, ClinGen allele CA368218933.

ClinVar aggregate classification (germline): Uncertain significance (1 of 4 stars; one submission).

Conditions:
Osteogenesis imperfecta type I (OI1). Also called: OI, TYPE I; OSTEOGENESIS IMPERFECTA TARDA; OSTEOGENESIS IMPERFECTA WITH BLUE SCLERAE; Osteogenesis imperfecta type 1; Lobstein's Disease; Lobstein disease. Identifiers: Orphanet 216796, Orphanet 666, MedGen C0023931, MONDO:0008146, OMIM 166200. Disease mechanism: loss of function.
Ehlers-Danlos syndrome, classic type, 1 (EDSCL1). Also called: EHLERS-DANLOS SYNDROME, GRAVIS TYPE; EHLERS-DANLOS SYNDROME, SEVERE CLASSIC TYPE; Ehlers-Danlos syndrome, type 1; EDS I; Ehlers-Danlos Syndrome, Classic Type, COL5A1-Related. Identifiers: MedGen C0268335, MONDO:0019567, OMIM 130000.

Allele frequency attached by ClinVar (database versions not stated): gnomAD 0.00001; TOPMed 0.00001.
gnomAD v4.1: 5 of 1,318,674 alleles (0.00038%); highest among the groups gnomAD compares: Non-Finnish European, 0.00033%; no homozygotes.

Submission:

Labcorp Genetics (formerly Invitae), Labcorp
Classification: Uncertain significance for Osteogenesis imperfecta type I; Ehlers-Danlos syndrome, classic type, 1. Last evaluated: 2026-02-04. Review status: criteria provided, single submitter. Criteria: Invitae Variant Classification Sherloc (09022015). Collection method: clinical testing. Allele origin: germline.
Comment: This sequence change replaces glutamine, which is neutral and polar, with arginine, which is basic and polar, at codon 26 of the COL1A2 protein (p.Gln26Arg). This variant is not present in population databases (gnomAD no frequency). This variant has not been reported in the literature in individuals affected with COL1A2-related conditions. ClinVar contains an entry for this variant (Variation ID: 1353628). Invitae Evidence Modeling of protein sequence and biophysical properties (such as structural, functional, and spatial information, amino acid conservation, physicochemical variation, residue mobility, and thermodynamic stability) indicates that this missense variant is not expected to disrupt COL1A2 protein function with a negative predictive value of 95%. In summary, the available evidence is currently insufficient to determine the role of this variant in disease. Therefore, it has been classified as a Variant of Uncertain Significance.